The following is an entry in ClinVar:

ClinVar aggregate classification (germline): Uncertain significance. Review status: criteria provided, multiple submitters, no conflicts (2 of 4 stars). 5 submissions from 3 submitters: Uncertain significance (5). Last evaluated 2023-04-11.

Conditions:
Retinitis pigmentosa 12 (RP12). Also called: RP WITH OR WITHOUT PPRPE; RP WITH OR WITHOUT PRESERVED PARAARTERIOLE RETINAL PIGMENT EPITHELIUM; RETINITIS PIGMENTOSA WITH OR WITHOUT PARAARTERIOLAR PRESERVATION OF RETINAL PIGMENT EPITHELIUM. Identifiers: Orphanet 791, MedGen C1838647, MONDO:0010818, OMIM 600105.
Leber congenital amaurosis 8 (LCA8). Identifiers: Orphanet 65, MedGen C3151202, MONDO:0013453, OMIM 613835.
Pigmented paravenous retinochoroidal atrophy. Identifiers: Orphanet 251295, MedGen C1868310, MONDO:0008246, OMIM 172870.

Allele frequency attached by ClinVar (database versions not stated): gnomAD exomes below 0.00001.
gnomAD v4.1: 1 of 1,614,146 alleles (0.000062%); highest among the groups gnomAD compares: Non-Finnish European, 0.000085%; no homozygotes.

Submissions (5):

Genome-Nilou Lab
Classification: Uncertain significance for Leber congenital amaurosis 8. Last evaluated: 2023-04-11. Review status: criteria provided, single submitter. Criteria: ACMG Guidelines, 2015. Collection method: clinical testing. Allele origin: germline. Affected: no.

Genome-Nilou Lab
Classification: Uncertain significance for Pigmented paravenous retinochoroidal atrophy. Last evaluated: 2023-04-11. Review status: criteria provided, single submitter. Criteria: ACMG Guidelines, 2015. Collection method: clinical testing. Allele origin: germline. Affected: no.

Genome-Nilou Lab
Classification: Uncertain significance for Retinitis pigmentosa 12. Last evaluated: 2023-04-11. Review status: criteria provided, single submitter. Criteria: ACMG Guidelines, 2015. Collection method: clinical testing. Allele origin: germline. Affected: no.

Labcorp Genetics (formerly Invitae), Labcorp
Classification: Uncertain significance for Leber congenital amaurosis 8; Retinitis pigmentosa 12. Last evaluated: 2022-11-08. Review status: criteria provided, single submitter. Criteria: Invitae Variant Classification Sherloc (09022015). Collection method: clinical testing. Allele origin: germline.
Comment: This variant has not been reported in the literature in individuals affected with CRB1-related conditions. In summary, the available evidence is currently insufficient to determine the role of this variant in disease. Therefore, it has been classified as a Variant of Uncertain Significance. Advanced modeling of protein sequence and biophysical properties (such as structural, functional, and spatial information, amino acid conservation, physicochemical variation, residue mobility, and thermodynamic stability) performed at Invitae indicates that this missense variant is expected to disrupt CRB1 protein function. ClinVar contains an entry for this variant (Variation ID: 286767). This variant is not present in population databases (gnomAD no frequency). This sequence change replaces tryptophan, which is neutral and slightly polar, with arginine, which is basic and polar, at codon 567 of the CRB1 protein (p.Trp567Arg).

Eurofins Ntd Llc (ga)
Classification: Uncertain significance. Last evaluated: 2016-04-01. Review status: criteria provided, single submitter. Criteria: EGL Classification Definitions 2015. Collection method: clinical testing. Allele origin: germline. Observed: 3 variant alleles, 2 heterozygotes, 1 homozygote.

NM_201253.3(CRB1):c.1699T>C (p.Trp567Arg)

Gene: CRB1 (crumbs cell polarity complex component 1; plus strand). Cytogenetic location: 1q31.3.
Variant type: single nucleotide variant.
Coding change: c.1699T>C on transcript NM_201253.3 (MANE Select); coding-DNA position 1699, T replaced by C.
Protein change: p.Trp567Arg; replaces tryptophan 567 with arginine.
Molecular consequence: missense variant. On other transcripts: non-coding transcript variant (2).
Genome position (GRCh38, 1-based): chr1:197,421,527, T>C. VCF-style: chr1-197421527-T-C. GRCh37 (hg19) VCF-style: chr1-197390657-T-C.
Other names: c.1363T>C, p.Trp455Arg (NM_001193640.2); c.1492T>C, p.Trp498Arg (NM_001257965.2); c.1699T>C, p.Trp567Arg (NM_001257966.2); short protein forms W567R, W455R, W498R.
Identifiers: ClinVar variation 286767 (VCV000286767.11), dbSNP rs886043472, ClinGen allele CA10605560.